The following is an entry in ClinVar:

NM_032520.5(GNPTG):c.356C>T (p.Thr119Met)

Gene: GNPTG (N-acetylglucosamine-1-phosphate transferase subunit gamma; plus strand). Cytogenetic location: 16p13.3.
Variant type: single nucleotide variant.
Coding change: c.356C>T on transcript NM_032520.5 (MANE Select); coding-DNA position 356, C replaced by T.
Protein change: p.Thr119Met; replaces threonine 119 with methionine.
Molecular consequence: missense variant.
Genome position (GRCh38, 1-based): chr16:1,362,076, C>T. VCF-style: chr16-1362076-C-T. GRCh37 (hg19) VCF-style: chr16-1412077-C-T.
Other names: c.356C>T (NM_032520.4); short protein forms T119M.
Identifiers: ClinVar variation 1419582 (VCV001419582.6), dbSNP rs1471071549, ClinGen allele CA394187266.

ClinVar aggregate classification (germline): Uncertain significance. Review status: criteria provided, multiple submitters, no conflicts (2 of 4 stars). 2 submissions from 2 submitters: Uncertain significance (2). Last evaluated 2024-10-29.

Conditions:
Inborn genetic diseases. Identifiers: MedGen C0950123, MeSH D030342.

Allele frequency attached by ClinVar (database versions not stated): TOPMed below 0.00001; gnomAD 0.00001; gnomAD exomes 0.00002 and 0.00003.
gnomAD v4.1: 45 of 1,612,158 alleles (0.0028%); highest among the groups gnomAD compares: Middle Eastern, 0.016%; no homozygotes.

Submissions (2):

Labcorp Genetics (formerly Invitae), Labcorp
Classification: Uncertain significance. Last evaluated: 2024-10-29. Review status: criteria provided, single submitter. Criteria: Invitae Variant Classification Sherloc (09022015). Collection method: clinical testing. Allele origin: germline.
Comment: This sequence change replaces threonine, which is neutral and polar, with methionine, which is neutral and non-polar, at codon 119 of the GNPTG protein (p.Thr119Met). This variant is present in population databases (no rsID available, gnomAD 0.006%). This variant has not been reported in the literature in individuals affected with GNPTG-related conditions. ClinVar contains an entry for this variant (Variation ID: 1419582). Invitae Evidence Modeling of protein sequence and biophysical properties (such as structural, functional, and spatial information, amino acid conservation, physicochemical variation, residue mobility, and thermodynamic stability) indicates that this missense variant is not expected to disrupt GNPTG protein function with a negative predictive value of 80%. In summary, the available evidence is currently insufficient to determine the role of this variant in disease. Therefore, it has been classified as a Variant of Uncertain Significance.

Ambry Genetics
Classification: Uncertain significance for Inborn genetic diseases. Last evaluated: 2023-09-14. Review status: criteria provided, single submitter. Criteria: Ambry Variant Classification Scheme 2023. Collection method: clinical testing. Allele origin: germline.